The following is an entry in ClinVar:

NM_001278116.2(L1CAM):c.2872+1G>C

Gene: L1CAM (L1 cell adhesion molecule; minus strand). Cytogenetic location: Xq28.
Variant type: single nucleotide variant.
Coding change: c.2872+1G>C on transcript NM_001278116.2 (MANE Select); the canonical splice donor site of the intron after coding-DNA position 2872, G replaced by C.
Molecular consequence: splice donor variant.
Genome position (GRCh38, 1-based): chrX:153,865,087, C>G on the plus strand (G>C on the coding strand, the complement: L1CAM is on the minus strand). VCF-style: chrX-153865087-C-G. GRCh37 (hg19) VCF-style: chrX-153130542-C-G.
Other names: c.2857+1G>C (NM_001143963.2); c.2872+1G>C (NM_024003.3, NM_000425.5).
Identifiers: ClinVar variation 1195984 (VCV001195984.1), dbSNP rs2148493825, ClinGen allele CA415114582.

ClinVar aggregate classification (germline): Pathogenic (1 of 4 stars; one submission).

Conditions:
Global developmental delay (DD). Also called: Cognitive delay. Identifiers: MedGen C0557874, HP:0001263. Disease mechanism: loss of function.

Submission:

Cytogénomique, Hospices Civils de Lyon
Classification: Pathogenic for Global developmental delay. Last evaluated: 2021-08-12. Review status: criteria provided, single submitter. Criteria: ACMG Guidelines, 2015. Collection method: clinical testing. Allele origin: de novo. Inheritance: Sporadic. Affected: yes. Observed: 1 variant allele, 1 hemizygote.
Comment: predicted to destroy a consensus splice site